The following is an entry in ClinVar:

NM_003079.5(SMARCE1):c.1084T>C (p.Ser362Pro)

Gene: SMARCE1 (SWI/SNF related BAF chromatin remodeling complex subunit E1; minus strand). Cytogenetic location: 17q21.2.
Variant type: single nucleotide variant.
Coding change: c.1084T>C on transcript NM_003079.5 (MANE Select); coding-DNA position 1084, T replaced by C.
Protein change: p.Ser362Pro; replaces serine 362 with proline.
Molecular consequence: missense variant.
Genome position (GRCh38, 1-based): chr17:40,628,937, A>G on the plus strand (T>C on the coding strand, the complement: SMARCE1 is on the minus strand). VCF-style: chr17-40628937-A-G. GRCh37 (hg19) VCF-style: chr17-38785189-A-G.
Other names: short protein forms S362P.
Identifiers: ClinVar variation 822135 (VCV000822135.10), dbSNP rs750183985, ClinGen allele CA8545066.
Genomic context (GRCh38, chr17:40,628,937, plus strand): 5'-TTCCTTCCTCTGCCATACTGTCGACCCCCTCCTGCCCACTCTCCTTGTCCTCAGGAGTAG[A>G]CGTGCCTTCTTCACCATTCTGTTGGCTCTCTGTTGTTTCTTCAAGGTGTGTCTCCTCTGT-3'
Protein context (NP_003070.3, residues 352-372): ESQQNGEEGT[Ser362Pro]TPEDKESGQE

ClinVar aggregate classification (germline): Conflicting classifications of pathogenicity. Review status: criteria provided, conflicting classifications (1 of 4 stars). 2 submissions from 2 submitters: Uncertain significance (1); Likely benign (1). Last evaluated 2025-04-20.

Conditions:
Familial meningioma. Also called: Meningioma, familial, susceptibility to. Identifiers: Orphanet 263662, MedGen C3551915, MONDO:0011789, OMIM 607174.
Hereditary cancer-predisposing syndrome. Also called: Tumor predisposition; Hereditary Cancer Syndrome; Neoplastic Syndromes, Hereditary; Hereditary neoplastic syndrome. Identifiers: Orphanet 140162, MedGen C0027672, MeSH D009386, MONDO:0015356.

Allele frequency attached by ClinVar (database versions not stated): ExAC 0.00001.

Submissions (2):

Labcorp Genetics (formerly Invitae), Labcorp
Classification: Uncertain significance for Familial meningioma. Last evaluated: 2025-04-20. Review status: criteria provided, single submitter. Criteria: Invitae Variant Classification Sherloc (09022015). Collection method: clinical testing. Allele origin: germline.
Comment: This sequence change replaces serine, which is neutral and polar, with proline, which is neutral and non-polar, at codon 362 of the SMARCE1 protein (p.Ser362Pro). This variant is present in population databases (rs750183985, gnomAD 0.0009%). This variant has not been reported in the literature in individuals affected with SMARCE1-related conditions. ClinVar contains an entry for this variant (Variation ID: 822135). Invitae Evidence Modeling of protein sequence and biophysical properties (such as structural, functional, and spatial information, amino acid conservation, physicochemical variation, residue mobility, and thermodynamic stability) indicates that this missense variant is not expected to disrupt SMARCE1 protein function with a negative predictive value of 80%. In summary, the available evidence is currently insufficient to determine the role of this variant in disease. Therefore, it has been classified as a Variant of Uncertain Significance.

Ambry Genetics
Classification: Likely benign for Hereditary cancer-predisposing syndrome. Last evaluated: 2024-01-10. Review status: criteria provided, single submitter. Criteria: Ambry Variant Classification Scheme 2023. Collection method: clinical testing. Allele origin: germline.